The following is an entry in ClinVar:

NM_032888.4(COL27A1):c.1535C>T (p.Ser512Leu)

Gene: COL27A1 (collagen type XXVII alpha 1 chain; plus strand). Cytogenetic location: 9q32.
Variant type: single nucleotide variant.
Coding change: c.1535C>T on transcript NM_032888.4 (MANE Select); coding-DNA position 1535, C replaced by T.
Protein change: p.Ser512Leu; replaces serine 512 with leucine.
Molecular consequence: missense variant.
Genome position (GRCh38, 1-based): chr9:114,169,090, C>T. VCF-style: chr9-114169090-C-T. GRCh37 (hg19) VCF-style: chr9-116931370-C-T.
Other names: short protein forms S512L.
Identifiers: ClinVar variation 4739569 (VCV004739569.1).
Genomic context (GRCh38, chr9:114,169,090, plus strand): 5'-CCCCTACTCCTGGTTCTACCAGGAGTACTCGGCCACCAGCCACGATGGTACCTCCAACTT[C>T]GGGCACCAGCACTCCCAGAACAGCACCTGCCGTCCCCACTCCTGGCTCAGCTCCCACTGG-3'
Protein context (NP_116277.2, residues 502-522): RPPATMVPPT[Ser512Leu]GTSTPRTAPA

ClinVar aggregate classification (germline): Uncertain significance (1 of 4 stars; one submission).

gnomAD v4.1: 38 of 1,613,924 alleles (0.0024%); highest among the groups gnomAD compares: East Asian, 0.018%; no homozygotes.

Submission:

Labcorp Genetics (formerly Invitae), Labcorp
Classification: Uncertain significance. Last evaluated: 2025-11-19. Review status: criteria provided, single submitter. Criteria: Invitae Variant Classification Sherloc (09022015). Collection method: clinical testing. Allele origin: germline.
Comment: This sequence change replaces serine, which is neutral and polar, with leucine, which is neutral and non-polar, at codon 512 of the COL27A1 protein (p.Ser512Leu). This variant is present in population databases (rs764588490, gnomAD 0.05%). This variant has not been reported in the literature in individuals affected with COL27A1-related conditions. Invitae Evidence Modeling of protein sequence and biophysical properties (such as structural, functional, and spatial information, amino acid conservation, physicochemical variation, residue mobility, and thermodynamic stability) indicates that this missense variant is not expected to disrupt COL27A1 protein function with a negative predictive value of 95%. In summary, the available evidence is currently insufficient to determine the role of this variant in disease. Therefore, it has been classified as a Variant of Uncertain Significance.